The following is an entry in ClinVar:

NM_002439.5(MSH3):c.2395C>T (p.Leu799=)

Gene: MSH3 (mutS homolog 3; plus strand). Cytogenetic location: 5q14.1.
Variant type: single nucleotide variant.
Coding change: c.2395C>T on transcript NM_002439.5 (MANE Select); coding-DNA position 2395, C replaced by T.
Protein change: p.Leu799=; no amino-acid change (leucine 799 retained).
Molecular consequence: synonymous variant.
Genome position (GRCh38, 1-based): chr5:80,778,796, C>T. VCF-style: chr5-80778796-C-T. GRCh37 (hg19) VCF-style: chr5-80074615-C-T.
Other names: c.2395C>T (NM_002439.3).
Identifiers: ClinVar variation 2905751 (VCV002905751.4), dbSNP rs1430308910, ClinGen allele CA445163424.

ClinVar aggregate classification (germline): Conflicting classifications of pathogenicity. Review status: criteria provided, conflicting classifications (1 of 4 stars). 2 submissions from 2 submitters: Uncertain significance (1); Likely benign (1). Last evaluated 2026-09-10.

Conditions:
Hereditary cancer-predisposing syndrome. Also called: Hereditary Cancer Syndrome; Hereditary neoplastic syndrome; Neoplastic Syndromes, Hereditary; Tumor predisposition. Identifiers: Orphanet 140162, MedGen C0027672, MeSH D009386, MONDO:0015356.

Allele frequency attached by ClinVar (database versions not stated): gnomAD exomes below 0.00001.
gnomAD v4.1: 5 of 1,610,822 alleles (0.00031%); highest among the groups gnomAD compares: Non-Finnish European, 0.00042%; no homozygotes.

Submissions (2):

Ambry Genetics
Classification: Uncertain significance for Hereditary cancer-predisposing syndrome. Last evaluated: 2026-09-10. Review status: criteria provided, single submitter. Criteria: Ambry Variant Classification Scheme 2023. Collection method: clinical testing. Allele origin: germline.
Comment: The c.2395C>T variant (also known as p.L799L), located in coding exon 17 of the MSH3 gene, results from a C to T substitution at nucleotide position 2395. This nucleotide substitution does not change the amino acid at codon 799. This nucleotide position is highly conserved in available vertebrate species. In silico splice site analysis for this alteration is inconclusive. Based on the available evidence, the clinical significance of this variant remains unclear.

Labcorp Genetics (formerly Invitae), Labcorp
Classification: Likely benign. Last evaluated: 2025-06-23. Review status: criteria provided, single submitter. Criteria: Invitae Variant Classification Sherloc (09022015). Collection method: clinical testing. Allele origin: germline.